The following is an entry in ClinVar:

NM_015338.6(ASXL1):c.3010G>A (p.Asp1004Asn)

Gene: ASXL1 (ASXL transcriptional regulator 1; plus strand). Cytogenetic location: 20q11.21.
Variant type: single nucleotide variant.
Coding change: c.3010G>A on transcript NM_015338.6 (MANE Select); coding-DNA position 3010, G replaced by A.
Protein change: p.Asp1004Asn; replaces aspartic acid 1004 with asparagine.
Molecular consequence: missense variant.
Genome position (GRCh38, 1-based): chr20:32,435,722, G>A. VCF-style: chr20-32435722-G-A. GRCh37 (hg19) VCF-style: chr20-31023525-G-A.
Other names: c.2827G>A, p.Asp943Asn (NM_001363734.1); short protein forms D943N, D1004N.
Identifiers: ClinVar variation 4825226 (VCV004825226.1).
Genomic context (GRCh38, chr20:32,435,722, plus strand): 5'-AAAATCAACGGAGACTCTGAAGCACTGAGTCCTCACGGTGAGTCCACGGATACAGCCTCT[G>A]ACTTTGAAGGTCACCTCACGGAGGACAGCAGTGAGGCTGACACTAGAGAAGCTGCAGTGA-3'
Protein context (NP_056153.2, residues 994-1014): PHGESTDTAS[Asp1004Asn]FEGHLTEDSS

ClinVar aggregate classification (germline): Uncertain significance (1 of 4 stars; one submission).

Conditions:
Inborn genetic diseases. Identifiers: MedGen C0950123, MeSH D030342.

Submission:

Ambry Genetics
Classification: Uncertain significance for Inborn genetic diseases. Last evaluated: 2026-02-15. Review status: criteria provided, single submitter. Criteria: Ambry Variant Classification Scheme 2023. Collection method: clinical testing. Allele origin: germline.
Comment: The p.D1004N variant (also known as c.3010G>A), located in coding exon 13 of the ASXL1 gene, results from a G to A substitution at nucleotide position 3010. The aspartic acid at codon 1004 is replaced by asparagine, an amino acid with highly similar properties. This amino acid position is conserved. In addition, this alteration is predicted to be tolerated by in silico analysis. Based on the available evidence, the clinical significance of this variant remains unclear.